The following is an entry in ClinVar:

ClinVar aggregate classification (germline): Uncertain significance (1 of 4 stars; one submission).

Conditions:
Malignant hyperthermia, susceptibility to, 1 (MHS1). Also called: RYR1-Related Malignant Hyperthermia Susceptibility; Malignant hyperthermia suceptibility 1; Anesthesia related hyperthermia; Malignant hyperpyrexia; Fulminating hyperpyrexia; Pharmacogenic myopathy. Identifiers: Orphanet 423, MedGen C2930980, MONDO:0007783, OMIM 145600.

Submission:

Color Diagnostics, LLC DBA Color Health
Classification: Uncertain significance for Malignant hyperthermia, susceptibility to, 1. Last evaluated: 2025-07-14. Review status: criteria provided, single submitter. Criteria: ACMG Guidelines, 2015. Collection method: clinical testing. Allele origin: germline.
Comment: This missense variant replaces lysine with glutamic acid at codon 826 of the RYR1 protein. Computational prediction is inconclusive regarding the impact of this variant on protein structure and function. To our knowledge, functional studies have not been reported for this variant. This variant has not been reported in individuals affected with RYR1-related disorders in the literature. This variant has not been identified in the general population by the Genome Aggregation Database (gnomAD). The available evidence is insufficient to determine the role of this variant in disease conclusively. Therefore, this variant is classified as a Variant of Uncertain Significance.

NM_000540.3(RYR1):c.2476A>G (p.Lys826Glu)

Gene: RYR1 (ryanodine receptor 1; plus strand). Cytogenetic location: 19q13.2.
Variant type: single nucleotide variant.
Coding change: c.2476A>G on transcript NM_000540.3 (MANE Select); coding-DNA position 2476, A replaced by G.
Protein change: p.Lys826Glu; replaces lysine 826 with glutamic acid.
Molecular consequence: missense variant.
Genome position (GRCh38, 1-based): chr19:38,460,490, A>G. VCF-style: chr19-38460490-A-G. GRCh37 (hg19) VCF-style: chr19-38951130-A-G.
Other names: c.2476A>G, p.Lys826Glu (NM_001042723.2); short protein forms K826E.
Identifiers: ClinVar variation 4758941 (VCV004758941.1).